The following is an entry in ClinVar:

ClinVar aggregate classification (germline): Conflicting classifications of pathogenicity. Review status: criteria provided, conflicting classifications (1 of 4 stars). 13 submissions from 13 submitters: Uncertain significance (1); Benign (3); Likely benign (6). 3 of the submissions do not count toward it. Last evaluated 2026-03-27.

Conditions:
TRPM4-related disorder. Also called: TRPM4-related condition; TRPM4-related disorders. Identifiers: MedGen CN239424.
Cardiovascular phenotype. Identifiers: MedGen CN230736.
Progressive familial heart block type IB (PFHB1B). Identifiers: Orphanet 871, MedGen C1970298, MONDO:0011474, OMIM 604559.

Allele frequency attached by ClinVar (database versions not stated): 1000 Genomes Project 30x 0.00047; 1000 Genomes Project 0.00060; ESP Exome Variant Server 0.00185; TOPMed 0.00206; gnomAD 0.00274.
gnomAD v4.1: 5,229 of 1,614,204 alleles (0.32%); highest among the groups gnomAD compares: Non-Finnish European, 0.41%; 6 homozygotes.

Submissions (13):

Molecular Diagnostic Laboratory for Inherited Cardiovascular Disease, Montreal Heart Institute
Classification: Likely benign. Last evaluated: 2026-03-27. Review status: criteria provided, single submitter. Criteria: ACMG Guidelines, 2015. Collection method: clinical testing. Allele origin: germline. Affected: no.
Comment: BS1;BP7

Labcorp Genetics (formerly Invitae), Labcorp
Classification: Benign for Progressive familial heart block type IB. Last evaluated: 2026-02-03. Review status: criteria provided, single submitter. Criteria: Invitae Variant Classification Sherloc (09022015). Collection method: clinical testing. Allele origin: germline.

CeGaT Center for Human Genetics Tuebingen
Classification: Likely benign. Last evaluated: 2025-12-01. Review status: criteria provided, single submitter. Criteria: CeGaT Center For Human Genetics Tuebingen Variant Classification Criteria Version 2. Collection method: clinical testing. Allele origin: germline. Affected: yes. Observed: 1 variant allele.
Comment: TRPM4: BP4, BP7

PreventionGenetics, part of Exact Sciences
Classification: Likely benign for TRPM4-related condition. Last evaluated: 2025-10-22. Review status: criteria provided, single submitter. Criteria: ACMG Guidelines, 2015. Collection method: clinical testing. Allele origin: germline.
Comment: This variant is classified as likely benign based on ACMG/AMP sequence variant interpretation guidelines (Richards et al. 2015 PMID: 25741868, with internal and published modifications).

Blueprint Genetics
Classification: Likely benign. Last evaluated: 2024-11-26. Review status: criteria provided, single submitter. Criteria: ACMG Guidelines, 2015. Collection method: clinical testing. Allele origin: germline.

Women's Health and Genetics/Laboratory Corporation of America, LabCorp
Classification: Benign. Last evaluated: 2024-07-28. Review status: criteria provided, single submitter. Criteria: LabCorp Variant Classification Summary - May 2015. Collection method: clinical testing. Allele origin: germline.

ARUP Laboratories, Molecular Genetics and Genomics, ARUP Laboratories
Classification: Benign. Last evaluated: 2023-10-26. Review status: criteria provided, single submitter. Criteria: ARUP Molecular Germline Variant Investigation Process 2024. Collection method: clinical testing. Allele origin: germline.

GeneDx
Classification: Likely benign. Last evaluated: 2021-04-28. Review status: criteria provided, single submitter. Criteria: GeneDx Variant Classification Process June 2021. Collection method: clinical testing. Allele origin: germline. Affected: yes.

Illumina Laboratory Services, Illumina
Classification: Uncertain significance for Progressive familial heart block type IB. Last evaluated: 2018-01-13. Review status: criteria provided, single submitter. Criteria: ICSL Variant Classification Criteria 13 December 2019. Collection method: clinical testing. Allele origin: germline.

Ambry Genetics
Classification: Likely benign for Cardiovascular phenotype. Last evaluated: 2015-07-17. Review status: criteria provided, single submitter. Criteria: Ambry Variant Classification Scheme 2023. Collection method: clinical testing. Allele origin: germline.

Clinical Genetics DNA and cytogenetics Diagnostics Lab, Erasmus MC, Erasmus Medical Center
Classification: Likely benign. Review status: no assertion criteria provided. Collection method: clinical testing. Allele origin: germline. Affected: yes. Study: VKGL Data-share Consensus. Not counted in ClinVar's aggregate classification.

Clinical Genetics, Academic Medical Center
Classification: Benign. Review status: no assertion criteria provided. Collection method: clinical testing. Allele origin: germline. Affected: yes. Study: VKGL Data-share Consensus. Not counted in ClinVar's aggregate classification.

Joint Genome Diagnostic Labs from Nijmegen and Maastricht, Radboudumc and MUMC+
Classification: Benign. Review status: no assertion criteria provided. Collection method: clinical testing. Allele origin: germline. Affected: yes. Study: VKGL Data-share Consensus. Not counted in ClinVar's aggregate classification.

NM_017636.4(TRPM4):c.1368C>G (p.Thr456=)

Gene: TRPM4 (transient receptor potential cation channel subfamily M member 4; plus strand). Cytogenetic location: 19q13.33.
Variant type: single nucleotide variant.
Coding change: c.1368C>G on transcript NM_017636.4 (MANE Select); coding-DNA position 1368, C replaced by G.
Protein change: p.Thr456=; no amino-acid change (threonine 456 retained).
Molecular consequence: synonymous variant. On other transcripts: 5 prime UTR variant (1).
Genome position (GRCh38, 1-based): chr19:49,182,682, C>G. VCF-style: chr19-49182682-C-G. GRCh37 (hg19) VCF-style: chr19-49685939-C-G.
Other names: c.1368C>G, p.Thr456= (NM_001195227.2); c.1023C>G, p.Thr341= (NM_001321281.2); c.-186C>G (NM_001321282.2); c.846C>G, p.Thr282= (NM_001321283.2); c.306C>G, p.Thr102= (NM_001321285.2).
Identifiers: ClinVar variation 241173 (VCV000241173.77), dbSNP rs56118173, ClinGen allele CA9569177.
Genomic context (GRCh38, chr19:49,182,682, plus strand): 5'-CCGGCCTGAGTTCGTGCGCTTGCTCATTTCCCACGGCCTCAGCCTGGGCCACTTCCTGAC[C>G]CCGATGCGCCTGGCCCAACTCTACAGCGCGGCGCCCTCCAACTCGCTCATCCGCAACCTT-3'
Protein context (NP_060106.2, residues 446-466): SHGLSLGHFL[Thr456=]PMRLAQLYSA